The following is an entry in ClinVar:

ClinVar aggregate classification (germline): Uncertain significance (1 of 4 stars; one submission).

gnomAD v4.1: 1 of 1,592,634 alleles (0.000063%); highest among the groups gnomAD compares: Non-Finnish European, 0.000085%; no homozygotes.

Submission:

GeneDx
Classification: Uncertain significance. Last evaluated: 2019-07-10. Review status: criteria provided, single submitter. Criteria: GeneDx Variant Classification Process June 2021. Collection method: clinical testing. Allele origin: germline. Affected: yes.
Comment: Not observed at a significant frequency in large population cohorts (Lek et al., 2016); In silico analysis, which includes protein predictors and evolutionary conservation, supports a deleterious effect; Has not been previously published as pathogenic or benign to our knowledge

NM_001195.5(BFSP1):c.647G>C (p.Arg216Pro)

Gene: BFSP1 (beaded filament structural protein 1; minus strand). Cytogenetic location: 20p12.1.
Variant type: single nucleotide variant.
Coding change: c.647G>C on transcript NM_001195.5 (MANE Select); coding-DNA position 647, G replaced by C.
Protein change: p.Arg216Pro; replaces arginine 216 with proline.
Molecular consequence: missense variant.
Genome position (GRCh38, 1-based): chr20:17,508,977, C>G on the plus strand (G>C on the coding strand, the complement: BFSP1 is on the minus strand). VCF-style: chr20-17508977-C-G. GRCh37 (hg19) VCF-style: chr20-17489622-C-G.
Other names: c.272G>C, p.Arg91Pro (NM_001161705.2); c.230G>C, p.Arg77Pro (NM_001278606.2, NM_001278608.2); c.314G>C, p.Arg105Pro (NM_001278607.2); short protein forms R105P, R216P, R77P, R91P.
Identifiers: ClinVar variation 1302116 (VCV001302116.2), dbSNP rs773901224, ClinGen allele CA9772255.
Genomic context (GRCh38, chr20:17,508,977, plus strand): 5'-TGCAGGTGGGAGAGCACCTCCCGGCCCTCCTCCAGCTGACTCCGCAGGGCGGCCACCTCC[C>G]GCTCCGTCAGGAGCTTCTCCTGCACAGAGAAGGCCAGAGTCAGACTCATGGGACATGCAG-3'
Protein context (NP_001186.1, residues 206-226): GMREEKLLTE[Arg216Pro]EVAALRSQLE